The following is an entry in ClinVar:

ClinVar aggregate classification (germline): Pathogenic (1 of 4 stars; one submission).

Submission:

GeneDx
Classification: Pathogenic. Last evaluated: 2024-11-30. Review status: criteria provided, single submitter. Criteria: GeneDx Variant Classification Process June 2021. Collection method: clinical testing. Allele origin: germline. Affected: yes.
Comment: In silico analysis supports that this missense variant has a deleterious effect on protein structure/function; Not observed at significant frequency in large population cohorts (gnomAD); Located in the highly conserved helix termination motif of the alpha-helical rod domain, which is intolerant to change; variants in this motif interfere with proper keratin intermediate filament assembly and function, resulting in skin fragility and/or hyperkeratosis (PMID: 21176769).; This variant is associated with the following publications: (PMID: 36809127, 38414793)

NM_000424.4(KRT5):c.1399A>T (p.Ile467Phe)

Genes: KRT5 (keratin 5; minus strand), LOC126861525 (BRD4-independent group 4 enhancer GRCh37_chr12:52909857-52911056; plus strand). Cytogenetic location: 12q13.13.
Variant type: single nucleotide variant.
Coding change: c.1399A>T on transcript NM_000424.4 (MANE Select); coding-DNA position 1399, A replaced by T.
Protein change: p.Ile467Phe; replaces isoleucine 467 with phenylalanine.
Molecular consequence: missense variant.
Genome position (GRCh38, 1-based): chr12:52,516,677, T>A on the plus strand (A>T on the coding strand, the complement: KRT5 is on the minus strand). VCF-style: chr12-52516677-T-A. GRCh37 (hg19) VCF-style: chr12-52910461-T-A.
Other names: short protein forms I467F.
Identifiers: ClinVar variation 3900846 (VCV003900846.1).
Genomic context (GRCh38, chr12:52,516,677, plus strand): 5'-AGTTCATGCTGTCTACTCACCTGCATTCCTCGCCCTCCAGCAGCTTGCGGTAAGTGGCGA[T>A]CTCCACGTCCAGGGCCAGCTTGGTGTTCATGAGCTCCTGGTACTCACGCAGCAGCCGGGC-3'
Protein context (NP_000415.2, residues 457-477): MNTKLALDVE[Ile467Phe]ATYRKLLEGE